The following is an entry in ClinVar:

NM_015272.5(RPGRIP1L):c.1403del (p.Ala468fs)

Gene: RPGRIP1L (RPGRIP1 like; minus strand). Cytogenetic location: 16q12.2.
Variant type: Deletion.
Coding change: c.1403del on transcript NM_015272.5 (MANE Select); coding-DNA position 1403, one base deleted (C; older notation c.1403delC).
Protein change: p.Ala468fs; shifts the reading frame from alanine 468.
Molecular consequence: frameshift variant.
Genome position (GRCh38, 1-based): chr16:53,657,631, G deleted on the plus strand (C on the coding strand, the reverse complement: RPGRIP1L is on the minus strand). VCF-style (leftmost placement, unchanged base first): chr16-53657630-AG-A. GRCh37 (hg19) VCF-style: chr16-53691542-AG-A.
Other names: c.1403del, p.Ala468fs (NM_001127897.4, NM_001308334.3, NM_001330538.2); short protein forms A468fs.
Identifiers: ClinVar variation 1451321 (VCV001451321.6), dbSNP rs2151157545, ClinGen allele CA2573152403.

ClinVar aggregate classification (germline): Pathogenic (1 of 4 stars; one submission).

Conditions:
Meckel-Gruber syndrome. Also called: DYSENCEPHALIA SPLANCHNOCYSTICA; GRUBER SYNDROME; Dysencephalia splachnocystica. Identifiers: Orphanet 564, MedGen C0265215, MONDO:0018921.
Joubert syndrome. Also called: CEREBELLOPARENCHYMAL DISORDER IV; JOUBERT-BOLTSHAUSER SYNDROME; Familial aplasia of the vermis. Identifiers: Orphanet 475, MedGen C5979921, MONDO:0018772.

Submission:

Labcorp Genetics (formerly Invitae), Labcorp
Classification: Pathogenic for Joubert syndrome; Meckel-Gruber syndrome. Last evaluated: 2020-12-17. Review status: criteria provided, single submitter. Criteria: Invitae Variant Classification Sherloc (09022015). Collection method: clinical testing. Allele origin: germline.
Comment: This sequence change creates a premature translational stop signal (p.Ala468Valfs*13) in the RPGRIP1L gene. It is expected to result in an absent or disrupted protein product. Loss-of-function variants in RPGRIP1L are known to be pathogenic (PMID: 17558409). This variant is not present in population databases (ExAC no frequency). This variant has not been reported in the literature in individuals with RPGRIP1L-related conditions. For these reasons, this variant has been classified as Pathogenic.

Literature cited by the submitters: PubMed 17558409.